The following is an entry in ClinVar:

ClinVar aggregate classification (germline): Likely pathogenic (1 of 4 stars; one submission).

Conditions:
Leber congenital amaurosis 3 (LCA3). Also called: SPATA7-Related Retinitis Pigmentosa. Identifiers: MedGen C1858677, MONDO:0011415, OMIM 604232.

Submission:

Genetic Diseases Diagnosis Center, Ankara Bilkent City Hospital
Classification: Likely pathogenic for Leber congenital amaurosis 3. Last evaluated: 2026-02-04. Review status: criteria provided, single submitter. Criteria: ACMG Guidelines, 2015. Collection method: clinical testing. Allele origin: germline. Inheritance: Autosomal recessive inheritance. Affected: yes. Observed: 1 homozygote.
Comment: The variant SPATA7 (NM_001040428.4): c.1064_1064+4delGGTTAinsCT is a complex deletion–insertion affecting the exon–intron boundary and is predicted to disrupt normal splicing, resulting in a loss-of-function effect. Loss of function is a well-established disease mechanism for SPATA7, which is associated with autosomal recessive Leber congenital amaurosis. Therefore, this variant meets PVS1 (very strong evidence of pathogenicity). This variant is absent from population databases, including gnomAD and other large-scale control cohorts, supporting PM2 (moderate evidence of pathogenicity). Based on the ACMG/AMP guidelines, the combination of PVS1 + PM2 supports classification of this variant as Likely Pathogenic.

NM_018418.5(SPATA7):c.1160_1160+4delinsCT

Gene: SPATA7 (spermatogenesis associated 7; plus strand). Cytogenetic location: 14q31.3.
Variant type: Indel.
Coding change: c.1160_1160+4delinsCT on transcript NM_018418.5 (MANE Select); coding-DNA position 1160 through 4 bases into the intron after coding-DNA position 1160, GGTTA replaced by CT.
Molecular consequence: splice donor variant.
Genome position (GRCh38, 1-based): chr14:88,433,212-88,433,216, GGTTA replaced by CT. VCF-style: chr14-88433212-GGTTA-CT. GRCh37 (hg19) VCF-style: chr14-88899556-GGTTA-CT.
Other names: c.1064_1064+4delinsCT (NM_001040428.4); c.1064_1064+4delGGTTAinsCT (NM_001040428.4).
Identifiers: ClinVar variation 4755561 (VCV004755561.1).